The following is an entry in ClinVar:

NM_005869.4(CWC27):c.281A>C (p.Asn94Thr)

Gene: CWC27 (CWC27 spliceosome associated cyclophilin; plus strand). Cytogenetic location: 5q12.3.
Variant type: single nucleotide variant.
Coding change: c.281A>C on transcript NM_005869.4 (MANE Select); coding-DNA position 281, A replaced by C.
Protein change: p.Asn94Thr; replaces asparagine 94 with threonine.
Molecular consequence: missense variant.
Genome position (GRCh38, 1-based): chr5:64,783,864, A>C. VCF-style: chr5-64783864-A-C. GRCh37 (hg19) VCF-style: chr5-64079691-A-C.
Other names: c.281A>C, p.Asn94Thr (NM_001297644.1, NM_001297645.2, NM_001318000.2 and 1 more transcripts); short protein forms N94T.
Identifiers: ClinVar variation 1989468 (VCV001989468.5), dbSNP rs753319511, ClinGen allele CA3281911.

ClinVar aggregate classification (germline): Uncertain significance. Review status: criteria provided, multiple submitters, no conflicts (2 of 4 stars). 2 submissions from 2 submitters: Uncertain significance (2). Last evaluated 2022-12-06.

Allele frequency attached by ClinVar (database versions not stated): gnomAD exomes 0.00001; ExAC 0.00003.
gnomAD v4.1: 4 of 1,585,996 alleles (0.00025%); highest among the groups gnomAD compares: Admixed American, 0.0075%; no homozygotes.

Submissions (2):

Labcorp Genetics (formerly Invitae), Labcorp
Classification: Uncertain significance. Last evaluated: 2022-12-06. Review status: criteria provided, single submitter. Criteria: Invitae Variant Classification Sherloc (09022015). Collection method: clinical testing. Allele origin: germline.
Comment: In summary, the available evidence is currently insufficient to determine the role of this variant in disease. Therefore, it has been classified as a Variant of Uncertain Significance. Algorithms developed to predict the effect of missense changes on protein structure and function (SIFT, PolyPhen-2, Align-GVGD) all suggest that this variant is likely to be tolerated. This variant has not been reported in the literature in individuals affected with CWC27-related conditions. This variant is present in population databases (rs753319511, gnomAD 0.02%). This sequence change replaces asparagine, which is neutral and polar, with threonine, which is neutral and polar, at codon 94 of the CWC27 protein (p.Asn94Thr).

Blueprint Genetics
Classification: Uncertain significance. Last evaluated: 2022-04-29. Review status: criteria provided, single submitter. Criteria: ACMG Guidelines, 2015. Collection method: clinical testing. Allele origin: germline.